The following is an entry in ClinVar:

ClinVar aggregate classification (germline): Uncertain significance (1 of 4 stars; one submission).

Allele frequency attached by ClinVar (database versions not stated): gnomAD exomes below 0.00001; TOPMed 0.00005.
gnomAD v4.1: 8 of 1,613,764 alleles (0.0005%); highest among the groups gnomAD compares: African/African-American, 0.011%; no homozygotes.

Submission:

Ambry Genetics
Classification: Uncertain significance. Last evaluated: 2022-09-11. Review status: criteria provided, single submitter. Criteria: Ambry Variant Classification Scheme 2023. Collection method: clinical testing. Allele origin: germline.
Comment: The p.Q1054R variant (also known as c.3161A>G), located in coding exon 4 of the ALPK2 gene, results from an A to G substitution at nucleotide position 3161. The glutamine at codon 1054 is replaced by arginine, an amino acid with highly similar properties. This amino acid position is conserved. In addition, this alteration is predicted to be tolerated by in silico analysis. Since supporting evidence is limited at this time, the clinical significance of this alteration remains unclear.

NM_052947.4(ALPK2):c.3161A>G (p.Gln1054Arg)

Gene: ALPK2 (alpha kinase 2; minus strand). Cytogenetic location: 18q21.31.
Variant type: single nucleotide variant.
Coding change: c.3161A>G on transcript NM_052947.4 (MANE Select); coding-DNA position 3161, A replaced by G.
Protein change: p.Gln1054Arg; replaces glutamine 1054 with arginine.
Molecular consequence: missense variant.
Genome position (GRCh38, 1-based): chr18:58,537,026, T>C on the plus strand (A>G on the coding strand, the complement: ALPK2 is on the minus strand). VCF-style: chr18-58537026-T-C. GRCh37 (hg19) VCF-style: chr18-56204258-T-C.
Other names: short protein forms Q1054R.
Identifiers: ClinVar variation 1728311 (VCV001728311.2), dbSNP rs1037254677, ClinGen allele CA300927263.
Genomic context (GRCh38, chr18:58,537,026, plus strand): 5'-CAAAGTAGCTCTTTTGTAGATTTGATGGTAGCACCACTTAAAATATGATCCAACTGCACT[T>C]GGGAAGGAAATTGGGAAACCTTTTCATGGGATGCACGAGGGAACCTCTCCTCAGTGCCAC-3'
Protein context (NP_443179.3, residues 1044-1064): SHEKVSQFPS[Gln1054Arg]VQLDHILSGA